The following is an entry in ClinVar:

NM_006231.4(POLE):c.1661G>T (p.Ser554Ile)

Gene: POLE (DNA polymerase epsilon, catalytic subunit; minus strand). Cytogenetic location: 12q24.33.
Variant type: single nucleotide variant.
Coding change: c.1661G>T on transcript NM_006231.4 (MANE Select); coding-DNA position 1661, G replaced by T.
Protein change: p.Ser554Ile; replaces serine 554 with isoleucine.
Molecular consequence: missense variant.
Genome position (GRCh38, 1-based): chr12:132,672,652, C>A on the plus strand (G>T on the coding strand, the complement: POLE is on the minus strand). VCF-style: chr12-132672652-C-A. GRCh37 (hg19) VCF-style: chr12-133249238-C-A.
Other names: short protein forms S554I.
Identifiers: ClinVar variation 1035176 (VCV001035176.10), dbSNP rs1028317886, ClinGen allele CA387356524.
Genomic context (GRCh38, chr12:132,672,652, plus strand): 5'-GTGGGAAGAATCTGAATCCCAGGGAAGAAGCACACCATCCTAAACCGGCAAGGGATATCG[C>A]TGCGGAAAACCCCAGACTCGAGGGCCTCCACGTGGCCCCCGACGTAGGTCTCAGAGTCCA-3'
Protein context (NP_006222.2, residues 544-564): VEALESGVFR[Ser554Ile]DIPCRFRMNP

ClinVar aggregate classification (germline): Uncertain significance (1 of 4 stars; one submission).

Allele frequency attached by ClinVar (database versions not stated): TOPMed 0.00001.

Submission:

Labcorp Genetics (formerly Invitae), Labcorp
Classification: Uncertain significance. Last evaluated: 2022-04-18. Review status: criteria provided, single submitter. Criteria: Invitae Variant Classification Sherloc (09022015). Collection method: clinical testing. Allele origin: germline.
Comment: ClinVar contains an entry for this variant (Variation ID: 1035176). This variant has not been reported in the literature in individuals affected with POLE-related conditions. This variant is not present in population databases (gnomAD no frequency). This sequence change replaces serine, which is neutral and polar, with isoleucine, which is neutral and non-polar, at codon 554 of the POLE protein (p.Ser554Ile). Algorithms developed to predict the effect of missense changes on protein structure and function are either unavailable or do not agree on the potential impact of this missense change (SIFT: "Deleterious"; PolyPhen-2: "Possibly Damaging"; Align-GVGD: "Class C15"). In summary, the available evidence is currently insufficient to determine the role of this variant in disease. Therefore, it has been classified as a Variant of Uncertain Significance.